The following is an entry in ClinVar:

NM_000535.7(PMS2):c.485T>A (p.Leu162Ter)

Gene: PMS2 (PMS1 homolog 2, mismatch repair system component; minus strand). Cytogenetic location: 7p22.1.
Variant type: single nucleotide variant.
Coding change: c.485T>A on transcript NM_000535.7 (MANE Select); coding-DNA position 485, T replaced by A.
Protein change: p.Leu162Ter; replaces leucine 162 with a stop codon.
Molecular consequence: nonsense. On other transcripts: 5 prime UTR variant (2), non-coding transcript variant (1).
Genome position (GRCh38, 1-based): chr7:6,002,505, A>T on the plus strand (T>A on the coding strand, the complement: PMS2 is on the minus strand). VCF-style: chr7-6002505-A-T. GRCh37 (hg19) VCF-style: chr7-6042136-A-T.
Other names: c.80T>A, p.Leu27Ter (NM_001322003.2, NM_001322004.2, NM_001322005.2 and 3 more transcripts); c.485T>A, p.Leu162Ter (NM_001322006.2, NM_001322014.2); c.167T>A, p.Leu56Ter (NM_001322007.2, NM_001322008.2); c.-400T>A (NM_001322011.2, NM_001322012.2); c.176T>A, p.Leu59Ter (NM_001322015.2); short protein forms L162*, L59*, L27*, L56*.
Identifiers: ClinVar variation 946184 (VCV000946184.13), dbSNP rs1785199575, ClinGen allele CA366744259.

ClinVar aggregate classification (germline): Pathogenic/Likely pathogenic. Review status: criteria provided, multiple submitters, no conflicts (2 of 4 stars). 4 submissions from 4 submitters: Pathogenic (3); Likely pathogenic (1). Last evaluated 2024-04-04.

Conditions:
Hereditary nonpolyposis colorectal neoplasms. Identifiers: MedGen C0009405, MeSH D003123.
Lynch syndrome 4 (LYNCH4). Also called: Hereditary non-polyposis colorectal cancer, type 4; Colorectal cancer, hereditary nonpolyposis, type 4. Identifiers: Orphanet 144, MedGen C1838333, MONDO:0013699, OMIM 614337. Disease mechanism: loss of function.
Hereditary cancer-predisposing syndrome. Also called: Neoplastic Syndromes, Hereditary; Hereditary Cancer Syndrome; Tumor predisposition; Hereditary neoplastic syndrome. Identifiers: Orphanet 140162, MedGen C0027672, MeSH D009386, MONDO:0015356.

Submissions (4):

Ambry Genetics
Classification: Pathogenic for Hereditary cancer-predisposing syndrome. Last evaluated: 2024-04-04. Review status: criteria provided, single submitter. Criteria: Ambry Variant Classification Scheme 2023. Collection method: clinical testing. Allele origin: germline.
Comment: The p.L162* pathogenic mutation (also known as c.485T>A), located in coding exon 5 of the PMS2 gene, results from a T to A substitution at nucleotide position 485. This changes the amino acid from a leucine to a stop codon within coding exon 5. This alteration is expected to result in loss of function by premature protein truncation or nonsense-mediated mRNA decay. As such, this alteration is interpreted as a disease-causing mutation.

Myriad Genetics, Inc.
Classification: Pathogenic for Lynch syndrome 4. Last evaluated: 2023-09-18. Review status: criteria provided, single submitter. Criteria: Myriad Autosomal Dominant, Autosomal Recessive and X-Linked Classification Criteria (2023). Collection method: clinical testing. Allele origin: unknown.
Comment: This variant is considered pathogenic. This variant creates a termination codon and is predicted to result in premature protein truncation.

Labcorp Genetics (formerly Invitae), Labcorp
Classification: Pathogenic for Hereditary nonpolyposis colorectal neoplasms. Last evaluated: 2023-08-30. Review status: criteria provided, single submitter. Criteria: Invitae Variant Classification Sherloc (09022015). Collection method: clinical testing. Allele origin: germline.
Comment: For these reasons, this variant has been classified as Pathogenic. ClinVar contains an entry for this variant (Variation ID: 946184). This variant has not been reported in the literature in individuals affected with PMS2-related conditions. This variant is not present in population databases (gnomAD no frequency). This sequence change creates a premature translational stop signal (p.Leu162*) in the PMS2 gene. It is expected to result in an absent or disrupted protein product. Loss-of-function variants in PMS2 are known to be pathogenic (PMID: 21376568, 24362816).

Baylor Genetics
Classification: Likely pathogenic for Lynch syndrome 4. Last evaluated: 2021-06-24. Review status: criteria provided, single submitter. Criteria: ACMG Guidelines, 2015. Collection method: clinical testing. Allele origin: unknown.

Literature cited by the submitters: PubMed 21376568 (cited by Labcorp Genetics (formerly Invitae), Labcorp); PubMed 24362816 (cited by Labcorp Genetics (formerly Invitae), Labcorp).